The following is an entry in ClinVar:

ClinVar aggregate classification (germline): Uncertain significance (1 of 4 stars; one submission).

Conditions:
Autosomal dominant limb-girdle muscular dystrophy type 1F (LGMDD2). Also called: Limb-girdle muscular dystrophy, type 1F; MUSCULAR DYSTROPHY, LIMB-GIRDLE, AUTOSOMAL DOMINANT 2. Identifiers: Orphanet 55595, MedGen C1842062, MONDO:0012034, OMIM 608423.

Allele frequency attached by ClinVar (database versions not stated): gnomAD exomes below 0.00001.
gnomAD v4.1: 1 of 1,614,164 alleles (0.000062%); highest among the groups gnomAD compares: South Asian, 0.0011%; no homozygotes.

Submission:

Labcorp Genetics (formerly Invitae), Labcorp
Classification: Uncertain significance for Autosomal dominant limb-girdle muscular dystrophy type 1F. Last evaluated: 2024-10-22. Review status: criteria provided, single submitter. Criteria: Invitae Variant Classification Sherloc (09022015). Collection method: clinical testing. Allele origin: germline.
Comment: This sequence change replaces tyrosine, which is neutral and polar, with cysteine, which is neutral and slightly polar, at codon 280 of the TNPO3 protein (p.Tyr280Cys). This variant is not present in population databases (gnomAD no frequency). This variant has not been reported in the literature in individuals affected with TNPO3-related conditions. Invitae Evidence Modeling of protein sequence and biophysical properties (such as structural, functional, and spatial information, amino acid conservation, physicochemical variation, residue mobility, and thermodynamic stability) has been performed for this missense variant. However, the output from this modeling did not meet the statistical confidence thresholds required to predict the impact of this variant on TNPO3 protein function. In summary, the available evidence is currently insufficient to determine the role of this variant in disease. Therefore, it has been classified as a Variant of Uncertain Significance.

NM_012470.4(TNPO3):c.839A>G (p.Tyr280Cys)

Gene: TNPO3 (transportin 3; minus strand). Cytogenetic location: 7q32.1.
Variant type: single nucleotide variant.
Coding change: c.839A>G on transcript NM_012470.4 (MANE Select); coding-DNA position 839, A replaced by G.
Protein change: p.Tyr280Cys; replaces tyrosine 280 with cysteine.
Molecular consequence: missense variant. On other transcripts: non-coding transcript variant (18).
Genome position (GRCh38, 1-based): chr7:129,001,092, T>C on the plus strand (A>G on the coding strand, the complement: TNPO3 is on the minus strand). VCF-style: chr7-129001092-T-C. GRCh37 (hg19) VCF-style: chr7-128641146-T-C.
Other names: c.839A>G, p.Tyr280Cys (NM_001191028.3, NM_001382216.1, NM_001382218.1 and 4 more transcripts); c.920A>G, p.Tyr307Cys (NM_001382217.1); c.695A>G, p.Tyr232Cys (NM_001382221.1); short protein forms Y232C, Y280C, Y307C.
Identifiers: ClinVar variation 2898763 (VCV002898763.3), dbSNP rs2536254680, ClinGen allele CA369238577.